The following is an entry in ClinVar:

ClinVar aggregate classification (germline): Uncertain significance (1 of 4 stars; one submission).

Conditions:
ILDR1-related disorder. Also called: ILDR1-related condition.

gnomAD v4.1: 78 of 1,536,100 alleles (0.0051%); highest among the groups gnomAD compares: South Asian, 0.092%; 2 homozygotes.

Submission:

PreventionGenetics, part of Exact Sciences
Classification: Uncertain significance for ILDR1-related condition. Last evaluated: 2026-07-24. Review status: criteria provided, single submitter. Criteria: ACMG Guidelines, 2015. Collection method: clinical testing. Allele origin: germline.
Comment: The ILDR1 c.778G>A variant is predicted to result in the amino acid substitution p.Asp260Asn. To our knowledge, this variant has not been reported in the literature. This variant is reported in 0.085% of alleles in individuals of South Asian descent in gnomAD. Although we suspect that this variant may be benign, at this time, the clinical significance of this variant is uncertain due to the absence of conclusive functional and genetic evidence.

NM_001199799.2(ILDR1):c.778G>A (p.Asp260Asn)

Gene: ILDR1 (immunoglobulin like domain containing receptor 1; minus strand). Cytogenetic location: 3q13.33.
Variant type: single nucleotide variant.
Coding change: c.778G>A on transcript NM_001199799.2 (MANE Select); coding-DNA position 778, G replaced by A.
Protein change: p.Asp260Asn; replaces aspartic acid 260 with asparagine.
Molecular consequence: missense variant. On other transcripts: intron variant (1).
Genome position (GRCh38, 1-based): chr3:121,994,182, C>T on the plus strand (G>A on the coding strand, the complement: ILDR1 is on the minus strand). VCF-style: chr3-121994182-C-T. GRCh37 (hg19) VCF-style: chr3-121713029-C-T.
Other names: c.511G>A, p.Asp171Asn (NM_001199800.2); c.647-212G>A (NM_175924.4); short protein forms D260N, D171N.
Identifiers: ClinVar variation 4978288 (VCV004978288.1).